The following is an entry in ClinVar:

NM_144573.4(NEXN):c.379C>T (p.Arg127Cys)

Genes: NEXN (nexilin F-actin binding protein; plus strand), LOC126805765 (BRD4-independent group 4 enhancer GRCh37_chr1:78383688-78384887; plus strand). Cytogenetic location: 1p31.1.
Variant type: single nucleotide variant.
Coding change: c.379C>T on transcript NM_144573.4 (MANE Select); coding-DNA position 379, C replaced by T.
Protein change: p.Arg127Cys; replaces arginine 127 with cysteine.
Molecular consequence: missense variant.
Genome position (GRCh38, 1-based): chr1:77,918,205, C>T. VCF-style: chr1-77918205-C-T. GRCh37 (hg19) VCF-style: chr1-78383890-C-T.
Other names: c.187C>T, p.Arg63Cys (NM_001172309.2); short protein forms R127C, R63C.
Identifiers: ClinVar variation 229058 (VCV000229058.17), dbSNP rs771113424, ClinGen allele CA918629.

ClinVar aggregate classification (germline): Uncertain significance. Review status: criteria provided, multiple submitters, no conflicts (2 of 4 stars). 6 submissions from 6 submitters: Uncertain significance (6). Last evaluated 2024-09-30.

Conditions:
Cardiovascular phenotype. Identifiers: MedGen CN230736.
Hypertrophic cardiomyopathy 20. Identifiers: MedGen C3151267, MONDO:0013477, OMIM 613876.
Dilated cardiomyopathy 1CC (CMD1CC). Identifiers: Orphanet 154, MedGen C2751084, MONDO:0013147, OMIM 613122.

Allele frequency attached by ClinVar (database versions not stated): TOPMed 0.00001; ExAC 0.00003; gnomAD 0.00003; gnomAD exomes 0.00003.

Submissions (6):

Ambry Genetics
Classification: Uncertain significance for Cardiovascular phenotype. Last evaluated: 2024-09-30. Review status: criteria provided, single submitter. Criteria: Ambry Variant Classification Scheme 2023. Collection method: clinical testing. Allele origin: germline.
Comment: The p.R127C variant (also known as c.379C>T), located in coding exon 4 of the NEXN gene, results from a C to T substitution at nucleotide position 379. The arginine at codon 127 is replaced by cysteine, an amino acid with highly dissimilar properties. This amino acid position is conserved. In addition, the in silico prediction for this alteration is inconclusive. Since supporting evidence is limited at this time, the clinical significance of this alteration remains unclear.

Fulgent Genetics
Classification: Uncertain significance for Dilated cardiomyopathy 1CC; Hypertrophic cardiomyopathy 20. Last evaluated: 2021-11-12. Review status: criteria provided, single submitter. Criteria: ACMG Guidelines, 2015. Collection method: clinical testing. Allele origin: unknown.

Labcorp Genetics (formerly Invitae), Labcorp
Classification: Uncertain significance for Dilated cardiomyopathy 1CC; Hypertrophic cardiomyopathy 20. Last evaluated: 2021-08-30. Review status: criteria provided, single submitter. Criteria: Invitae Variant Classification Sherloc (09022015). Collection method: clinical testing. Allele origin: germline.
Comment: This sequence change replaces arginine with cysteine at codon 127 of the NEXN protein (p.Arg127Cys). The arginine residue is moderately conserved and there is a large physicochemical difference between arginine and cysteine. This variant is present in population databases (rs771113424, ExAC 0.01%). This variant has not been reported in the literature in individuals affected with NEXN-related conditions. ClinVar contains an entry for this variant (Variation ID: 229058). Algorithms developed to predict the effect of missense changes on protein structure and function are either unavailable or do not agree on the potential impact of this missense change (SIFT: "Deleterious"; PolyPhen-2: "Probably Damaging"; Align-GVGD: "Class C15"). In summary, the available evidence is currently insufficient to determine the role of this variant in disease. Therefore, it has been classified as a Variant of Uncertain Significance.

Revvity Omics, Revvity
Classification: Uncertain significance. Last evaluated: 2021-06-11. Review status: criteria provided, single submitter. Criteria: ACMG Guidelines, 2015. Collection method: clinical testing. Allele origin: germline.

GeneDx
Classification: Uncertain significance. Last evaluated: 2020-01-13. Review status: criteria provided, single submitter. Criteria: GeneDx Variant Classification Process June 2021. Collection method: clinical testing. Allele origin: germline. Affected: yes.
Comment: Has not been previously published as pathogenic or benign to our knowledge; Reported in ClinVar as a variant of uncertain significance (ClinVar Variant ID# 229058; Landrum et al., 2016); In silico analysis, which includes protein predictors and evolutionary conservation, supports a deleterious effect

Laboratory for Molecular Medicine, Mass General Brigham Personalized Medicine
Classification: Uncertain significance. Last evaluated: 2015-06-09. Review status: criteria provided, single submitter. Criteria: LMM Criteria. Collection method: clinical testing. Allele origin: germline. Observed: 1 variant allele.
Comment: The p.Arg127Cys variant in NEXN has not been previously reported in individuals with cardiomyopathy, but has been identified in 2/16510 South Asian chromosomes and 2/66726 European chromosomes by the Exome Aggregation Consortium (ExAC). Computational prediction tools and conservation ana lysis suggest that this variant may impact the protein, though this information is not predictive enough to determine pathogenicity. In summary, the clinical si gnificance of the p.Arg127Cys variant is uncertain.